The following is an entry in ClinVar:

ClinVar aggregate classification (germline): Uncertain significance (1 of 4 stars; one submission).

Submission:

Labcorp Genetics (formerly Invitae), Labcorp
Classification: Uncertain significance. Last evaluated: 2023-07-07. Review status: criteria provided, single submitter. Criteria: Invitae Variant Classification Sherloc (09022015). Collection method: clinical testing. Allele origin: germline.
Comment: In summary, the available evidence is currently insufficient to determine the role of this variant in disease. Therefore, it has been classified as a Variant of Uncertain Significance. An algorithm developed to predict the effect of missense changes on protein structure and function (PolyPhen-2) suggests that this variant is likely to be tolerated. ClinVar contains an entry for this variant (Variation ID: 1383087). This variant has not been reported in the literature in individuals affected with ATP6V1E1-related conditions. This variant is not present in population databases (gnomAD no frequency). This sequence change replaces methionine, which is neutral and non-polar, with isoleucine, which is neutral and non-polar, at codon 16 of the ATP6V1E1 protein (p.Met16Ile).

NM_001696.4(ATP6V1E1):c.48G>A (p.Met16Ile)

Gene: ATP6V1E1 (ATPase H+ transporting V1 subunit E1; minus strand). Cytogenetic location: 22q11.21.
Variant type: single nucleotide variant.
Coding change: c.48G>A on transcript NM_001696.4 (MANE Select); coding-DNA position 48, G replaced by A.
Protein change: p.Met16Ile; replaces methionine 16 with isoleucine.
Molecular consequence: missense variant. On other transcripts: intron variant (1).
Genome position (GRCh38, 1-based): chr22:17,619,512, C>T on the plus strand (G>A on the coding strand, the complement: ATP6V1E1 is on the minus strand). VCF-style: chr22-17619512-C-T. GRCh37 (hg19) VCF-style: chr22-18102278-C-T.
Other names: c.48G>A, p.Met16Ile (NM_001039367.1); c.34-6192G>A (NM_001039366.1); short protein forms M16I.
Identifiers: ClinVar variation 1383087 (VCV001383087.6), dbSNP rs2146314653, ClinGen allele CA410243894.